The following is an entry in ClinVar:

NM_002764.4(PRPS1):c.864_865insCC (p.Val289fs)

Gene: PRPS1 (phosphoribosyl pyrophosphate synthetase 1; plus strand). Cytogenetic location: Xq22.3.
Variant type: Insertion.
Coding change: c.864_865insCC on transcript NM_002764.4 (MANE Select); coding-DNA positions 864 to 865, CC inserted.
Protein change: p.Val289fs; shifts the reading frame from valine 289.
Molecular consequence: frameshift variant.
Genome position: GRCh38 VCF-style: chrX-107649939-G-GCC. GRCh37 (hg19) VCF-style: chrX-106893169-G-GCC.
Other names: c.252_253insCC, p.Val85fs (NM_001204402.2); short protein forms V85fs, V289fs.
Identifiers: ClinVar variation 4731498 (VCV004731498.1).

ClinVar aggregate classification (germline): Uncertain significance (1 of 4 stars; one submission).

Conditions:
Charcot-Marie-Tooth Neuropathy X. Identifiers: MedGen CN118851.

Submission:

Labcorp Genetics (formerly Invitae), Labcorp
Classification: Uncertain significance for Charcot-Marie-Tooth Neuropathy X. Last evaluated: 2025-11-18. Review status: criteria provided, single submitter. Criteria: Invitae Variant Classification Sherloc (09022015). Collection method: clinical testing. Allele origin: germline.
Comment: This sequence change affects a splice site in intron 6 of the PRPS1 gene. While this variant is not anticipated to result in nonsense mediated decay, it likely alters RNA splicing and results in a disrupted protein product. This variant is not present in population databases (gnomAD no frequency). This variant has not been reported in the literature in individuals affected with PRPS1-related conditions. Variants that disrupt the consensus splice site are a relatively common cause of aberrant splicing (PMID: 17576681, 9536098). Algorithms developed to predict the effect of sequence changes on RNA splicing suggest that this variant may disrupt the consensus splice site. In summary, the available evidence is currently insufficient to determine the role of this variant in disease. Therefore, it has been classified as a Variant of Uncertain Significance.

Literature cited by the submitters: PubMed 17576681; PubMed 9536098.